The following is an entry in ClinVar:

NM_000540.3(RYR1):c.4101G>A (p.Ala1367=)

Gene: RYR1 (ryanodine receptor 1; plus strand). Cytogenetic location: 19q13.2.
Variant type: single nucleotide variant.
Coding change: c.4101G>A on transcript NM_000540.3 (MANE Select); coding-DNA position 4101, G replaced by A.
Protein change: p.Ala1367=; no amino-acid change (alanine 1367 retained).
Molecular consequence: synonymous variant.
Genome position (GRCh38, 1-based): chr19:38,473,712, G>A. VCF-style: chr19-38473712-G-A. GRCh37 (hg19) VCF-style: chr19-38964352-G-A.
Other names: c.4101G>A, p.Ala1367= (NM_001042723.2).
Identifiers: ClinVar variation 256501 (VCV000256501.13), dbSNP rs886038328, ClinGen allele CA10587308.

ClinVar aggregate classification (germline): Likely benign. Review status: criteria provided, multiple submitters, no conflicts (2 of 4 stars). 4 submissions from 4 submitters: Likely benign (4). Last evaluated 2024-08-28.

Conditions:
RYR1-related disorder. Also called: RYR1-related condition; RYR1-related disorders. Identifiers: MedGen CN239331.
Malignant hyperthermia, susceptibility to, 1 (MHS1). Also called: RYR1-Related Malignant Hyperthermia Susceptibility; Anesthesia related hyperthermia; Malignant hyperpyrexia; Fulminating hyperpyrexia; Pharmacogenic myopathy; Malignant hyperthermia suceptibility 1. Identifiers: Orphanet 423, MedGen C2930980, MONDO:0007783, OMIM 145600.

Allele frequency attached by ClinVar (database versions not stated): TOPMed 0.00002; gnomAD 0.00003.

Submissions (4):

Labcorp Genetics (formerly Invitae), Labcorp
Classification: Likely benign for RYR1-related disorder. Last evaluated: 2024-08-28. Review status: criteria provided, single submitter. Criteria: Invitae Variant Classification Sherloc (09022015). Collection method: clinical testing. Allele origin: germline.

All of Us Research Program, National Institutes of Health
Classification: Likely benign for Malignant hyperthermia, susceptibility to, 1. Last evaluated: 2024-08-06. Review status: criteria provided, single submitter. Criteria: ACMG Guidelines, 2015. Collection method: clinical testing. Allele origin: germline. Inheritance: Autosomal dominant inheritance. Observed: 2 variant alleles, 2 heterozygotes.
Comment: This study involves interpretation of variants in research participants for the purpose of population health screening. Participant phenotype was not available at the time of variant classification. Additional details can be found in publication PMID: 35346344, PMCID: PMC8962531

Color Diagnostics, LLC DBA Color Health
Classification: Likely benign for Malignant hyperthermia, susceptibility to, 1. Last evaluated: 2024-03-19. Review status: criteria provided, single submitter. Criteria: ACMG Guidelines, 2015. Collection method: clinical testing. Allele origin: germline.

PreventionGenetics, part of Exact Sciences
Classification: Likely benign. Review status: criteria provided, single submitter. Criteria: ACMG Guidelines, 2015. Collection method: clinical testing. Allele origin: germline.